The following is an entry in ClinVar:

NM_000091.5(COL4A3):c.1873G>C (p.Gly625Arg)

Genes: MFF-DT (MFF divergent transcript; minus strand), COL4A3 (collagen type IV alpha 3 chain; plus strand). Cytogenetic location: 2q36.3.
Variant type: single nucleotide variant.
Coding change: c.1873G>C on transcript NM_000091.5 (MANE Select); coding-DNA position 1873, G replaced by C.
Protein change: p.Gly625Arg; replaces glycine 625 with arginine.
Molecular consequence: missense variant.
Genome position (GRCh38, 1-based): chr2:227,273,063, G>C. VCF-style: chr2-227273063-G-C. GRCh37 (hg19) VCF-style: chr2-228137779-G-C.
Other names: short protein forms G625R.
Identifiers: ClinVar variation 1687269 (VCV001687269.3), dbSNP rs2125996501, ClinGen allele CA350844968.

ClinVar aggregate classification (germline): Conflicting classifications of pathogenicity. Review status: criteria provided, conflicting classifications (1 of 4 stars). 3 submissions from 3 submitters: Likely pathogenic (1); Uncertain significance (2). Last evaluated 2024-04-12.

Conditions:
Autosomal dominant Alport syndrome (ATS3A). Also called: Alport syndrome dominant type; Renal failure and sensorineural hearing loss; ALPORT SYNDROME 3A, AUTOSOMAL DOMINANT. Identifiers: Orphanet 63, Orphanet 88918, MedGen C5882663, MONDO:0007086, OMIM 104200.
Hematuria, benign familial, 2 (BFH2). Identifiers: MedGen C5830421, MONDO:0958186, OMIM 620320.
Alport syndrome 3b, autosomal recessive. Identifiers: MedGen C5882699, MONDO:0957811, OMIM 620536.
Autosomal recessive Alport syndrome (ATS2). Also called: ALPORT SYNDROME 2, AUTOSOMAL RECESSIVE; Alport syndrome type 2; COL4A4 Alport Syndrome and Thin Basement Membrane Nephropathy; COL4A3-Related Nephropathy. Identifiers: Orphanet 63, Orphanet 88919, MedGen C4746745, MONDO:0008762, OMIM 203780.

Submissions (3):

Fulgent Genetics
Classification: Likely pathogenic for Autosomal dominant Alport syndrome; Hematuria, benign familial, 2; Alport syndrome 3b, autosomal recessive. Last evaluated: 2024-04-12. Review status: criteria provided, single submitter. Criteria: ACMG Guidelines, 2015. Collection method: clinical testing. Allele origin: germline.

Women's Health and Genetics/Laboratory Corporation of America, LabCorp
Classification: Uncertain significance. Last evaluated: 2024-04-05. Review status: criteria provided, single submitter. Criteria: LabCorp Variant Classification Summary - May 2015. Collection method: clinical testing. Allele origin: germline.
Comment: Variant summary: COL4A3 c.1873G>C (p.Gly625Arg) results in a non-conservative amino acid change in the encoded protein sequence. Five of five in-silico tools predict a damaging effect of the variant on protein function. The variant was absent in 246932 control chromosomes. The available data on variant occurrences in the general population are insufficient to allow any conclusion about variant significance. To our knowledge, no occurrence of c.1873G>C in individuals affected with COL4A3-related conditions and no experimental evidence demonstrating its impact on protein function have been reported. ClinVar contains an entry for this variant (Variation ID: 1687269). Based on the evidence outlined above, the variant was classified as uncertain significance.

3billion
Classification: Uncertain significance for Autosomal recessive Alport syndrome. Last evaluated: 2022-05-22. Review status: criteria provided, single submitter. Criteria: ACMG Guidelines, 2015. Collection method: clinical testing. Allele origin: germline. Affected: yes. Observed: 1 heterozygote.
Comment: The variant is not observed in the gnomAD v2.1.1 dataset. In silico tool predictions suggest damaging effect of the variant on gene or gene product (REVEL: 0.96; 3Cnet: 0.91). Therefore, this variant is classified as uncertain significanceaccording to the recommendation of ACMG/AMP guideline.